The following is an entry in ClinVar:

NM_003737.4(DCHS1):c.8960A>G (p.Gln2987Arg)

Gene: DCHS1 (dachsous cadherin-related 1; minus strand). Cytogenetic location: 11p15.4.
Variant type: single nucleotide variant.
Coding change: c.8960A>G on transcript NM_003737.4 (MANE Select); coding-DNA position 8960, A replaced by G.
Protein change: p.Gln2987Arg; replaces glutamine 2987 with arginine.
Molecular consequence: missense variant.
Genome position (GRCh38, 1-based): chr11:6,622,716, T>C on the plus strand (A>G on the coding strand, the complement: DCHS1 is on the minus strand). VCF-style: chr11-6622716-T-C. GRCh37 (hg19) VCF-style: chr11-6643947-T-C.
Other names: c.8960A>G (NM_003737.2); short protein forms Q2987R.
Identifiers: ClinVar variation 1382037 (VCV001382037.9), dbSNP rs377192523, ClinGen allele CA5859322.

ClinVar aggregate classification (germline): Uncertain significance. Review status: criteria provided, multiple submitters, no conflicts (2 of 4 stars). 2 submissions from 2 submitters: Uncertain significance (2). Last evaluated 2026-01-06.

Conditions:
Inborn genetic diseases. Identifiers: MedGen C0950123, MeSH D030342.

Allele frequency attached by ClinVar (database versions not stated): gnomAD exomes 0.00006; TOPMed 0.00007; ESP Exome Variant Server 0.00008; gnomAD 0.00010 and 0.00011; ExAC 0.00015.
gnomAD v4.1: 102 of 1,592,574 alleles (0.0064%); highest among the groups gnomAD compares: Non-Finnish European, 0.0084%; no homozygotes.

Submissions (2):

Labcorp Genetics (formerly Invitae), Labcorp
Classification: Uncertain significance. Last evaluated: 2026-01-06. Review status: criteria provided, single submitter. Criteria: Invitae Variant Classification Sherloc (09022015). Collection method: clinical testing. Allele origin: germline.
Comment: This sequence change replaces glutamine, which is neutral and polar, with arginine, which is basic and polar, at codon 2987 of the DCHS1 protein (p.Gln2987Arg). This variant is present in population databases (rs377192523, gnomAD 0.009%). This variant has not been reported in the literature in individuals affected with DCHS1-related conditions. ClinVar contains an entry for this variant (Variation ID: 1382037). Invitae Evidence Modeling of protein sequence and biophysical properties (such as structural, functional, and spatial information, amino acid conservation, physicochemical variation, residue mobility, and thermodynamic stability) indicates that this missense variant is not expected to disrupt DCHS1 protein function with a negative predictive value of 80%. In summary, the available evidence is currently insufficient to determine the role of this variant in disease. Therefore, it has been classified as a Variant of Uncertain Significance.

Ambry Genetics
Classification: Uncertain significance for Inborn genetic diseases. Last evaluated: 2021-06-21. Review status: criteria provided, single submitter. Criteria: Ambry Variant Classification Scheme 2023. Collection method: clinical testing. Allele origin: germline.